The following is an entry in ClinVar:

NC_000019.9:g.(?_10421162)_(10426681_?)del

Gene: FDX2 (ferredoxin 2; minus strand). Cytogenetic location: 19p13.2.
Variant type: Deletion.
Identifiers: ClinVar variation 2423503 (VCV002423503.4).

ClinVar aggregate classification (germline): Uncertain significance (1 of 4 stars; one submission).

Submission:

Labcorp Genetics (formerly Invitae), Labcorp
Classification: Uncertain significance. Last evaluated: 2022-06-13. Review status: criteria provided, single submitter. Criteria: Invitae Variant Classification Sherloc (09022015). Collection method: clinical testing. Allele origin: germline.
Comment: In summary, the available evidence is currently insufficient to determine the role of this variant in disease. Therefore, it has been classified as a Variant of Uncertain Significance. This variant has not been reported in the literature in individuals affected with FDX2-related conditions. A gross deletion of the genomic region encompassing the full coding sequence of the FDX2 gene has been identified. The current clinical and genetic evidence is not sufficient to establish whether loss-of-function variants in FDX2 cause disease. The boundaries of this event are unknown as they extend beyond the assayed region for this gene and therefore may encompass additional genes.